The following is an entry in ClinVar:

NM_000218.3(KCNQ1):c.1514+9724A>G

Genes: KCNQ1 (potassium voltage-gated channel subfamily Q member 1; plus strand), KCNQ1OT1 (KCNQ1 opposite strand/antisense transcript 1; minus strand). Cytogenetic location: 11p15.5.
Variant type: single nucleotide variant.
Coding change: c.1514+9724A>G on transcript NM_000218.3 (MANE Select); 9724 bases into the intron after coding-DNA position 1514, A replaced by G.
Molecular consequence: intron variant.
Genome position (GRCh38, 1-based): chr11:2,671,805, A>G. VCF-style: chr11-2671805-A-G. GRCh37 (hg19) VCF-style: chr11-2693035-A-G.
Other names: c.1244+9724A>G (NM_001406837.1); c.1418+9724A>G (NM_001406836.1); c.974+9724A>G (NM_001406838.1); c.1133+9724A>G (NM_181798.2).
Identifiers: ClinVar variation 1701164 (VCV001701164.32), dbSNP rs193239171, ClinGen allele CA216178264.

ClinVar aggregate classification (germline): Likely benign. Review status: criteria provided, multiple submitters, no conflicts (2 of 4 stars). 2 submissions from 2 submitters: Likely benign (2). Last evaluated 2026-10-01.

Allele frequency attached by ClinVar (database versions not stated): 1000 Genomes Project 0.00240; 1000 Genomes Project 30x 0.00328; gnomAD 0.00356; TOPMed 0.00395; gnomAD exomes 0.00421.
gnomAD v4.1: 1,624 of 398,712 alleles (0.41%); highest among the groups gnomAD compares: Middle Eastern, 2.6%; 8 homozygotes.

Submissions (2):

CeGaT Center for Human Genetics Tuebingen
Classification: Likely benign. Last evaluated: 2026-10-01. Review status: criteria provided, single submitter. Criteria: CeGaT Center For Human Genetics Tuebingen Variant Classification Criteria Version 2. Collection method: clinical testing. Allele origin: germline. Affected: yes. Observed: 89 variant alleles.
Comment: KCNQ1OT1: BS2

Blueprint Genetics
Classification: Likely benign. Last evaluated: 2024-11-26. Review status: criteria provided, single submitter. Criteria: ACMG Guidelines, 2015. Collection method: clinical testing. Allele origin: germline.